The following is an entry in ClinVar:

NM_006767.4(LZTR1):c.1493del (p.Gly498fs)

Gene: LZTR1 (leucine zipper like post translational regulator 1; plus strand). Cytogenetic location: 22q11.21.
Variant type: Deletion.
Coding change: c.1493del on transcript NM_006767.4 (MANE Select); coding-DNA position 1493, one base deleted (G; older notation c.1493delG).
Protein change: p.Gly498fs; shifts the reading frame from glycine 498.
Molecular consequence: frameshift variant.
Genome position (GRCh38, 1-based): chr22:20,994,147, G deleted; the last of 2 consecutive G bases (chr22:20,994,146-20,994,147); deleting either gives the same sequence. VCF-style (leftmost placement, unchanged base first): chr22-20994145-CG-C. GRCh37 (hg19) VCF-style: chr22-21348434-CG-C.
Other names: short protein forms G498fs.
Identifiers: ClinVar variation 3238086 (VCV003238086.1), dbSNP rs2518620815.
Genomic context (GRCh38, chr22:20,994,145, plus strand): 5'-AGCTCCCTTCTCCCCACAGAAGCTGGAGCAGGAGGCCGCCCCAGTTCCCAGGGAGGCCCC[CG>C]GCGTGGCTGCTGGTGGGGCCCGGCCGCCCCTGCTGCACGTGGCCATCCGGGAGGCCGAGG-3'

ClinVar aggregate classification (germline): Pathogenic (1 of 4 stars; one submission).

Conditions:
Hereditary cancer-predisposing syndrome. Also called: Neoplastic Syndromes, Hereditary; Tumor predisposition; Hereditary neoplastic syndrome; Hereditary Cancer Syndrome. Identifiers: Orphanet 140162, MedGen C0027672, MeSH D009386, MONDO:0015356.
Cardiovascular phenotype. Identifiers: MedGen CN230736.

Submission:

Ambry Genetics
Classification: Pathogenic for Cardiovascular phenotype; Hereditary cancer-predisposing syndrome. Last evaluated: 2023-11-01. Review status: criteria provided, single submitter. Criteria: Ambry Variant Classification Scheme 2023. Collection method: clinical testing. Allele origin: germline.
Comment: The c.1493delG pathogenic mutation, located in coding exon 14 of the LZTR1 gene, results from a deletion of one nucleotide at nucleotide position 1493, causing a translational frameshift with a predicted alternate stop codon (p.G498Afs*58). This alteration is expected to result in loss of function by premature protein truncation or nonsense-mediated mRNA decay. Loss-of-function variants in LZTR1 are related to an increased risk for schwannomas and autosomal recessive Noonan syndrome; however, such associations with autosomal dominant Noonan syndrome have not been observed (Piotrowski A et al. Nat Genet. 2014 Feb;46:182-7; Yamamoto GL et al. J Med Genet. 2015 Jun;52:413-21; Johnston JJ et al. Genet Med. 2018 10;20:1175-1185). Based on the supporting evidence, this variant is pathogenic for an increased risk of LZTR1-related schwannomatosis (SWN) and would be expected to cause autosomal recessive Noonan syndrome when present along with a second pathogenic or likely pathogenic variant on the other allele; however, the association of this alteration with autosomal dominant Noonan syndrome is unlikely.